The following is an entry in ClinVar:

ClinVar aggregate classification (germline): Uncertain significance (1 of 4 stars; one submission).

Submission:

GeneDx
Classification: Uncertain significance. Last evaluated: 2023-05-01. Review status: criteria provided, single submitter. Criteria: GeneDx Variant Classification Process June 2021. Collection method: clinical testing. Allele origin: germline. Affected: yes.
Comment: Not observed at significant frequency in large population cohorts (gnomAD); In silico analysis supports that this missense variant has a deleterious effect on protein structure/function; Has not been previously published as pathogenic or benign to our knowledge

NM_001205293.3(CACNA1E):c.4378A>G (p.Met1460Val)

Gene: CACNA1E (calcium voltage-gated channel subunit alpha1 E; plus strand). Cytogenetic location: 1q25.3.
Variant type: single nucleotide variant.
Coding change: c.4378A>G on transcript NM_001205293.3 (MANE Select); coding-DNA position 4378, A replaced by G.
Protein change: p.Met1460Val; replaces methionine 1460 with valine.
Molecular consequence: missense variant.
Genome position (GRCh38, 1-based): chr1:181,757,995, A>G. VCF-style: chr1-181757995-A-G. GRCh37 (hg19) VCF-style: chr1-181727131-A-G.
Other names: c.4378A>G, p.Met1460Val (NM_000721.4); c.4321A>G, p.Met1441Val (NM_001205294.2); short protein forms M1441V, M1460V.
Identifiers: ClinVar variation 2663424 (VCV002663424.1), dbSNP rs2528985522, ClinGen allele CA343624830.
Genomic context (GRCh38, chr1:181,757,995, plus strand): 5'-ACTTTCTTGCAGAGGGCGTGCATCGACTTCGCCATCAGCGCCAAACCTCTCACCCGCTAC[A>G]TGCCGCAGAACAGACACACCTTCCAGTACCGCGTGTGGCACTTTGTGGTGTCTCCGTCCT-3'
Protein context (NP_001192222.1, residues 1450-1470): AISAKPLTRY[Met1460Val]PQNRHTFQYR